The following is an entry in ClinVar:

ClinVar aggregate classification (germline): Uncertain significance (1 of 4 stars; one submission).

Conditions:
Inborn genetic diseases. Identifiers: MedGen C0950123, MeSH D030342.

Submission:

Ambry Genetics
Classification: Uncertain significance for Inborn genetic diseases. Last evaluated: 2024-06-14. Review status: criteria provided, single submitter. Criteria: Ambry Variant Classification Scheme 2023. Collection method: clinical testing. Allele origin: germline.
Comment: The p.S1607R variant (also known as c.4821C>A), located in coding exon 27 of the ATR gene, results from a C to A substitution at nucleotide position 4821. The serine at codon 1607 is replaced by arginine, an amino acid with dissimilar properties. This amino acid position is conserved. In addition, this alteration is predicted to be tolerated by in silico analysis. Based on the available evidence, the clinical significance of this variant remains unclear.

NM_001184.4(ATR):c.4821C>A (p.Ser1607Arg)

Gene: ATR (ATR serine/threonine kinase; minus strand). Cytogenetic location: 3q23.
Variant type: single nucleotide variant.
Coding change: c.4821C>A on transcript NM_001184.4 (MANE Select); coding-DNA position 4821, C replaced by A.
Protein change: p.Ser1607Arg; replaces serine 1607 with arginine.
Molecular consequence: missense variant.
Genome position (GRCh38, 1-based): chr3:142,512,291, G>T on the plus strand (C>A on the coding strand, the complement: ATR is on the minus strand). VCF-style: chr3-142512291-G-T. GRCh37 (hg19) VCF-style: chr3-142231133-G-T.
Other names: c.4629C>A, p.Ser1543Arg (NM_001354579.2); short protein forms S1607R, S1543R.
Identifiers: ClinVar variation 3332176 (VCV003332176.1).